The following is an entry in ClinVar:

NM_001111125.3(IQSEC2):c.2890-1G>A

Gene: IQSEC2 (IQ motif and Sec7 domain ArfGEF 2; minus strand). Cytogenetic location: Xp11.22.
Variant type: single nucleotide variant.
Coding change: c.2890-1G>A on transcript NM_001111125.3 (MANE Select); the canonical splice acceptor site of the intron before coding-DNA position 2890, G replaced by A.
Molecular consequence: splice acceptor variant.
Genome position (GRCh38, 1-based): chrX:53,241,910, C>T on the plus strand (G>A on the coding strand, the complement: IQSEC2 is on the minus strand). VCF-style: chrX-53241910-C-T. GRCh37 (hg19) VCF-style: chrX-53271092-C-T.
Other names: c.2890-1G>A (NM_001410736.1); c.2275-1G>A (NM_015075.2).
Identifiers: ClinVar variation 3770219 (VCV003770219.1).

ClinVar aggregate classification (germline): Likely pathogenic (1 of 4 stars; one submission).

Conditions:
Intellectual developmental disorder, X-linked 1. Also called: Atkin Flaitz Patil Smith syndrome; MENTAL RETARDATION, X-LINKED 18; MENTAL RETARDATION, X-LINKED 78; Intellectual disability, X-linked 1. Identifiers: Orphanet 777, MedGen C2931498, MONDO:0010656, OMIM 309530.

Submission:

Department of Neurology, Zibo Changguo Hospital
Classification: Likely pathogenic for Intellectual developmental disorder, X-linked 1. Last evaluated: 2025-01-10. Review status: criteria provided, single submitter. Criteria: ACMG Guidelines, 2015. Collection method: clinical testing. Allele origin: maternal. Inheritance: X-linked inheritance. Affected: yes.
Comment: PVS1, PM2_Supporting